The following is an entry in ClinVar:

ClinVar aggregate classification (germline): Conflicting classifications of pathogenicity. Review status: criteria provided, conflicting classifications (1 of 4 stars). 3 submissions from 3 submitters: Uncertain significance (1); Benign (1); Likely benign (1). Last evaluated 2025-10-16.

Conditions:
Neurodevelopmental disorder with or without hyperkinetic movements and seizures, autosomal dominant. Also called: Intellectual disability, autosomal dominant 8. Identifiers: MedGen C3280282, MONDO:0013655, OMIM 614254.
Inborn genetic diseases. Identifiers: MedGen C0950123, MeSH D030342.

Allele frequency attached by ClinVar (database versions not stated): ESP Exome Variant Server 0.00008; TOPMed 0.00020; gnomAD 0.00024 and 0.00026.
gnomAD v4.1: 54 of 1,608,574 alleles (0.0034%); highest among the groups gnomAD compares: African/African-American, 0.068%; no homozygotes.

Submissions (3):

Labcorp Genetics (formerly Invitae), Labcorp
Classification: Likely benign for Neurodevelopmental disorder with or without hyperkinetic movements and seizures, autosomal dominant. Last evaluated: 2025-10-16. Review status: criteria provided, single submitter. Criteria: Invitae Variant Classification Sherloc (09022015). Collection method: clinical testing. Allele origin: germline.

Ambry Genetics
Classification: Uncertain significance for Inborn genetic diseases. Last evaluated: 2024-11-20. Review status: criteria provided, single submitter. Criteria: Ambry Variant Classification Scheme 2023. Collection method: clinical testing. Allele origin: germline.

GeneDx
Classification: Benign. Last evaluated: 2020-02-26. Review status: criteria provided, single submitter. Criteria: GeneDx Variant Classification Process June 2021. Collection method: clinical testing. Allele origin: germline. Affected: yes.
Comment: In silico analysis supports that this missense variant has a deleterious effect on protein structure/function; Has not been previously published as pathogenic or benign to our knowledge

NM_007327.4(GRIN1):c.1331C>T (p.Pro444Leu)

Gene: GRIN1 (glutamate ionotropic receptor NMDA type subunit 1; plus strand). Cytogenetic location: 9q34.3.
Variant type: single nucleotide variant.
Coding change: c.1331C>T on transcript NM_007327.4 (MANE Select); coding-DNA position 1331, C replaced by T.
Protein change: p.Pro444Leu; replaces proline 444 with leucine.
Molecular consequence: missense variant.
Genome position (GRCh38, 1-based): chr9:137,161,189, C>T. VCF-style: chr9-137161189-C-T. GRCh37 (hg19) VCF-style: chr9-140055641-C-T.
Other names: c.1331C>T, p.Pro444Leu (NM_000832.7, NM_021569.4); c.1394C>T, p.Pro465Leu (NM_001185090.2, NM_001185091.2); short protein forms P444L, P465L.
Identifiers: ClinVar variation 265188 (VCV000265188.19), dbSNP rs200225692, ClinGen allele CA5360891.
Genomic context (GRCh38, chr9:137,161,189, plus strand): 5'-TCACAGTCAACGGCGACCCAGTCAAGAAGGTGATCTGCACCGGGCCCAACGACACGTCGC[C>T]GGGCAGCCGTGAGTGCGCGGGGCAGGGCGCGGGGCGCGGGGCAGGGCGCGGGGCGTGGGG-3'
Protein context (NP_015566.1, residues 434-454): VICTGPNDTS[Pro444Leu]GSPRHTVPQC